The following is an entry in ClinVar:

ClinVar aggregate classification (germline): Uncertain significance. Review status: criteria provided, multiple submitters, no conflicts (2 of 4 stars). 3 submissions from 3 submitters: Uncertain significance (3). Last evaluated 2025-12-01.

Conditions:
Peroxisome biogenesis disorder, complementation group K (CGK). Identifiers: MedGen C1866257, MONDO:0800365.
PEX14-related disorder. Also called: PEX14-related condition.
Inborn genetic diseases. Identifiers: MedGen C0950123, MeSH D030342.

gnomAD v4.1: 101 of 1,613,742 alleles (0.0063%); highest among the groups gnomAD compares: Non-Finnish European, 0.0086%; 1 homozygote.

Submissions (3):

PreventionGenetics, part of Exact Sciences
Classification: Uncertain significance for PEX14-related condition. Last evaluated: 2025-12-01. Review status: criteria provided, single submitter. Criteria: ACMG Guidelines, 2015. Collection method: clinical testing. Allele origin: germline.
Comment: The PEX14 c.416G>T variant is predicted to result in the amino acid substitution p.Arg139Leu. To our knowledge, this variant has not been reported in the literature. This variant is reported in 0.012% of alleles in individuals of European (Non-Finnish) descent in gnomAD. At this time, the clinical significance of this variant is uncertain due to the absence of conclusive functional and genetic evidence.

Ambry Genetics
Classification: Uncertain significance for Inborn genetic diseases. Last evaluated: 2025-03-17. Review status: criteria provided, single submitter. Criteria: Ambry Variant Classification Scheme 2023. Collection method: clinical testing. Allele origin: germline.

Labcorp Genetics (formerly Invitae), Labcorp
Classification: Uncertain significance for Peroxisome biogenesis disorder, complementation group K. Last evaluated: 2023-04-24. Review status: criteria provided, single submitter. Criteria: Invitae Variant Classification Sherloc (09022015). Collection method: clinical testing. Allele origin: germline.
Comment: In summary, the available evidence is currently insufficient to determine the role of this variant in disease. Therefore, it has been classified as a Variant of Uncertain Significance. Advanced modeling of protein sequence and biophysical properties (such as structural, functional, and spatial information, amino acid conservation, physicochemical variation, residue mobility, and thermodynamic stability) performed at Invitae indicates that this missense variant is not expected to disrupt PEX14 protein function. ClinVar contains an entry for this variant (Variation ID: 1358850). This variant has not been reported in the literature in individuals affected with PEX14-related conditions. This variant is present in population databases (rs147683525, gnomAD 0.01%), including at least one homozygous and/or hemizygous individual. This sequence change replaces arginine, which is basic and polar, with leucine, which is neutral and non-polar, at codon 139 of the PEX14 protein (p.Arg139Leu).

NM_004565.3(PEX14):c.416G>T (p.Arg139Leu)

Gene: PEX14 (peroxisomal biogenesis factor 14; plus strand). Cytogenetic location: 1p36.22.
Variant type: single nucleotide variant.
Coding change: c.416G>T on transcript NM_004565.3 (MANE Select); coding-DNA position 416, G replaced by T.
Protein change: p.Arg139Leu; replaces arginine 139 with leucine.
Molecular consequence: missense variant.
Genome position (GRCh38, 1-based): chr1:10,623,050, G>T. VCF-style: chr1-10623050-G-T. GRCh37 (hg19) VCF-style: chr1-10683107-G-T.
Other names: c.416G>T (NM_004565.2); short protein forms R139L.
Identifiers: ClinVar variation 1358850 (VCV001358850.6), dbSNP rs147683525, ClinGen allele CA583845.
Genomic context (GRCh38, chr1:10,623,050, plus strand): 5'-CATTCCTCACCCTGTCCCGCTTCTTGCAGAAATACCTGCTCCCCCTCATCCTGGGCGGCC[G>T]AGAGGACAGAAAGCAGCTGGAGAGGATGGAGGCCGGTCTCTCTGAGCTGAGTGGCAGCGT-3'
Protein context (NP_004556.1, residues 129-149): KYLLPLILGG[Arg139Leu]EDRKQLERME